The following is an entry in ClinVar:

ClinVar aggregate classification (germline): Uncertain significance (1 of 4 stars; one submission).

Conditions:
Hereditary cancer-predisposing syndrome. Also called: Neoplastic Syndromes, Hereditary; Tumor predisposition; Hereditary Cancer Syndrome; Hereditary neoplastic syndrome. Identifiers: Orphanet 140162, MedGen C0027672, MeSH D009386, MONDO:0015356.

Submission:

Ambry Genetics
Classification: Uncertain significance for Hereditary cancer-predisposing syndrome. Last evaluated: 2025-12-29. Review status: criteria provided, single submitter. Criteria: Ambry Variant Classification Scheme 2023. Collection method: clinical testing. Allele origin: germline.
Comment: The p.G448V variant (also known as c.1343G>T), located in coding exon 4 of the MSH6 gene, results from a G to T substitution at nucleotide position 1343. The glycine at codon 448 is replaced by valine, an amino acid with dissimilar properties. This amino acid position is conserved. In addition, this alteration is predicted to be deleterious by in silico analysis. Based on the available evidence, the clinical significance of this variant remains unclear.

NM_000179.3(MSH6):c.1343G>T (p.Gly448Val)

Gene: MSH6 (mutS homolog 6; plus strand). Cytogenetic location: 2p16.3.
Variant type: single nucleotide variant.
Coding change: c.1343G>T on transcript NM_000179.3 (MANE Select); coding-DNA position 1343, G replaced by T.
Protein change: p.Gly448Val; replaces glycine 448 with valine.
Molecular consequence: missense variant. On other transcripts: non-coding transcript variant (4), intron variant (1).
Genome position (GRCh38, 1-based): chr2:47,799,326, G>T. VCF-style: chr2-47799326-G-T. GRCh37 (hg19) VCF-style: chr2-48026465-G-T.
Other names: c.1046G>T, p.Gly349Val (NM_001406805.1, NM_001406825.1, NM_001406827.1 and 10 more transcripts); c.818G>T, p.Gly273Val (NM_001406806.1, NM_001406807.1, NM_001406799.1); c.1343G>T, p.Gly448Val (NM_001406808.1, NM_001406809.1, NM_001406796.1 and 4 more transcripts); c.437G>T, p.Gly146Val (NM_001406811.1, NM_001406812.1, NM_001406814.1 and 6 more transcripts); c.1349G>T, p.Gly450Val (NM_001406813.1); c.1175G>T, p.Gly392Val (NM_001406826.1); c.953G>T, p.Gly318Val (NM_001281492.2); c.1439G>T, p.Gly480Val (NM_001406795.1, NM_001406802.1); and 2 more; short protein forms G392V, G448V, G422V, G480V, G146V, G273V, G318V, G349V.
Identifiers: ClinVar variation 4843694 (VCV004843694.1).